The following is an entry in ClinVar:

NM_173602.3(DIP2B):c.1060T>C (p.Ser354Pro)

Gene: DIP2B (disco interacting protein 2 homolog B; plus strand). Cytogenetic location: 12q13.12.
Variant type: single nucleotide variant.
Coding change: c.1060T>C on transcript NM_173602.3 (MANE Select); coding-DNA position 1060, T replaced by C.
Protein change: p.Ser354Pro; replaces serine 354 with proline.
Molecular consequence: missense variant.
Genome position (GRCh38, 1-based): chr12:50,678,822, T>C. VCF-style: chr12-50678822-T-C. GRCh37 (hg19) VCF-style: chr12-51072605-T-C.
Other names: c.1060T>C (NM_173602.2); short protein forms S354P.
Identifiers: ClinVar variation 445445 (VCV000445445.4), dbSNP rs117722674, ClinGen allele CA6564403.

ClinVar aggregate classification (germline): Likely benign. Review status: criteria provided, single submitter (1 of 4 stars). 2 submissions from 2 submitters: Likely benign (1). 1 of the submissions does not count toward it. Last evaluated 2017-07-21.

Conditions:
DIP2B-related disorder. Also called: DIP2B-related condition.

Allele frequency attached by ClinVar (database versions not stated): 1000 Genomes Project 0.00040; 1000 Genomes Project 30x 0.00047; ExAC 0.00079; gnomAD exomes 0.00087 and 0.00177; gnomAD 0.00111 and 0.00113; TOPMed 0.00111; ESP Exome Variant Server 0.00185.
gnomAD v4.1: 2,714 of 1,614,212 alleles (0.17%); highest among the groups gnomAD compares: Non-Finnish European, 0.21%; 7 homozygotes.

Submissions (2):

Center for Pediatric Genomic Medicine, Children's Mercy Hospital and Clinics
Classification: Likely benign. Last evaluated: 2017-07-21. Review status: criteria provided, single submitter. Criteria: ACMG Guidelines, 2015. Collection method: clinical testing. Allele origin: germline.

PreventionGenetics, part of Exact Sciences
Classification: Likely benign for DIP2B-related condition. Last evaluated: 2023-02-25. Review status: no assertion criteria provided. Collection method: clinical testing. Allele origin: germline. Not counted in ClinVar's aggregate classification.
Comment: This variant is classified as likely benign based on ACMG/AMP sequence variant interpretation guidelines (Richards et al. 2015 PMID: 25741868, with internal and published modifications).